The following is an entry in ClinVar:

ClinVar aggregate classification (germline): Uncertain significance (1 of 4 stars; one submission).

Conditions:
CHARGE syndrome (CHARGE). Also called: Hittner Hirsch Kreh syndrome; CHARGE ASSOCIATION--COLOBOMA, HEART ANOMALY, CHOANAL ATRESIA, RETARDATION, GENITAL AND EAR ANOMALIES; Coloboma, heart anomaly, choanal atresia, retardation, genital and ear anomalies; CHARGE association; Hall-Hittner syndrome. Identifiers: Orphanet 138, MedGen C0265354, MONDO:0008965.

Submission:

Labcorp Genetics (formerly Invitae), Labcorp
Classification: Uncertain significance for CHARGE syndrome. Last evaluated: 2023-07-19. Review status: criteria provided, single submitter. Criteria: Invitae Variant Classification Sherloc (09022015). Collection method: clinical testing. Allele origin: germline.
Comment: Advanced modeling of protein sequence and biophysical properties (such as structural, functional, and spatial information, amino acid conservation, physicochemical variation, residue mobility, and thermodynamic stability) performed at Invitae indicates that this missense variant is expected to disrupt CHD7 protein function. In summary, the available evidence is currently insufficient to determine the role of this variant in disease. Therefore, it has been classified as a Variant of Uncertain Significance. This variant has not been reported in the literature in individuals affected with CHD7-related conditions. This variant is not present in population databases (gnomAD no frequency). This sequence change replaces valine, which is neutral and non-polar, with alanine, which is neutral and non-polar, at codon 2647 of the CHD7 protein (p.Val2647Ala).

NM_017780.4(CHD7):c.7940T>C (p.Val2647Ala)

Gene: CHD7 (chromodomain helicase DNA binding protein 7; plus strand). Cytogenetic location: 8q12.2.
Variant type: single nucleotide variant.
Coding change: c.7940T>C on transcript NM_017780.4 (MANE Select); coding-DNA position 7940, T replaced by C.
Protein change: p.Val2647Ala; replaces valine 2647 with alanine.
Molecular consequence: missense variant.
Genome position (GRCh38, 1-based): chr8:60,862,305, T>C. VCF-style: chr8-60862305-T-C. GRCh37 (hg19) VCF-style: chr8-61774864-T-C.
Other names: c.1793T>C, p.Val598Ala (NM_001316690.1); short protein forms V2647A, V598A.
Identifiers: ClinVar variation 2695875 (VCV002695875.3), dbSNP rs2488118584, ClinGen allele CA371305603.
Genomic context (GRCh38, chr8:60,862,305, plus strand): 5'-GACATAGATGTCGAAACCCTAATAAATTGGATATAAACACTTTGACAGGAGAAGAAAGGG[T>C]GCCTGTTGTCAATAAACGAAATGGGAAGAAGGTAAACGCTGGGAAAGGGAATTGATCACT-3'
Protein context (NP_060250.2, residues 2637-2657): DINTLTGEER[Val2647Ala]PVVNKRNGKK